The following is an entry in ClinVar:

ClinVar aggregate classification (germline): Uncertain significance (1 of 4 stars; one submission).

Conditions:
Primary ciliary dyskinesia 27. Also called: CILIARY DYSKINESIA, PRIMARY, 27, WITHOUT SITUS INVERSUS. Identifiers: Orphanet 244, MedGen C3809701, MONDO:0014215, OMIM 615504.

gnomAD v4.1: 3 of 1,613,276 alleles (0.00019%); highest among the groups gnomAD compares: Non-Finnish European, 0.00017%; no homozygotes.

Submission:

Labcorp Genetics (formerly Invitae), Labcorp
Classification: Uncertain significance for Primary ciliary dyskinesia 27. Last evaluated: 2025-10-18. Review status: criteria provided, single submitter. Criteria: Invitae Variant Classification Sherloc (09022015). Collection method: clinical testing. Allele origin: germline.
Comment: This sequence change affects codon 269 of the CCDC65 mRNA. It is a 'silent' change, meaning that it does not change the encoded amino acid sequence of the CCDC65 protein. This variant also falls at the last nucleotide of exon 5, which is part of the consensus splice site for this exon. This variant is present in population databases (no rsID available, gnomAD 0.0009%). This variant has not been reported in the literature in individuals affected with CCDC65-related conditions. Variants that disrupt the consensus splice site are a relatively common cause of aberrant splicing (PMID: 17576681, 9536098). Algorithms developed to predict the effect of sequence changes on RNA splicing suggest that this variant may disrupt the consensus splice site. In summary, the available evidence is currently insufficient to determine the role of this variant in disease. Therefore, it has been classified as a Variant of Uncertain Significance.

Literature cited by the submitters: PubMed 17576681; PubMed 9536098.

NM_033124.5(DRC2):c.807G>A (p.Gln269=)

Gene: DRC2 (dynein regulatory complex subunit 2; plus strand). Cytogenetic location: 12q13.12.
Variant type: single nucleotide variant.
Coding change: c.807G>A on transcript NM_033124.5 (MANE Select); coding-DNA position 807, G replaced by A.
Protein change: p.Gln269=; no amino-acid change (glutamine 269 retained).
Molecular consequence: synonymous variant.
Genome position (GRCh38, 1-based): chr12:48,918,472, G>A. VCF-style: chr12-48918472-G-A. GRCh37 (hg19) VCF-style: chr12-49312255-G-A.
Other names: c.378G>A, p.Gln126= (NM_001286957.2).
Identifiers: ClinVar variation 4792558 (VCV004792558.1).